The following is an entry in ClinVar:

ClinVar aggregate classification (germline): Likely benign. Review status: criteria provided, multiple submitters, no conflicts (2 of 4 stars). 2 submissions from 2 submitters: Likely benign (2). Last evaluated 2025-12-24.

Allele frequency attached by ClinVar (database versions not stated): ExAC 0.00001; gnomAD exomes 0.00002 and 0.00007; gnomAD 0.00003 and 0.00004; TOPMed 0.00004.
gnomAD v4.1: 112 of 1,613,352 alleles (0.0069%); highest among the groups gnomAD compares: Non-Finnish European, 0.0089%; no homozygotes.

Submissions (2):

Labcorp Genetics (formerly Invitae), Labcorp
Classification: Likely benign. Last evaluated: 2025-12-24. Review status: criteria provided, single submitter. Criteria: Invitae Variant Classification Sherloc (09022015). Collection method: clinical testing. Allele origin: germline.

GeneDx
Classification: Likely benign. Last evaluated: 2017-11-07. Review status: criteria provided, single submitter. Criteria: GeneDx Variant Classification (06012015). Collection method: clinical testing. Allele origin: germline. Affected: yes.
Comment: This variant is considered likely benign or benign based on one or more of the following criteria: it is a conservative change, it occurs at a poorly conserved position in the protein, it is predicted to be benign by multiple in silico algorithms, and/or has population frequency not consistent with disease.

NM_001042545.2(LTBP4):c.2184G>A (p.Val728=)

Gene: LTBP4 (latent transforming growth factor beta binding protein 4; plus strand). Cytogenetic location: 19q13.2.
Variant type: single nucleotide variant.
Coding change: c.2184G>A on transcript NM_001042545.2 (MANE Select); coding-DNA position 2184, G replaced by A.
Protein change: p.Val728=; no amino-acid change (valine 728 retained).
Molecular consequence: synonymous variant.
Genome position (GRCh38, 1-based): chr19:40,612,077, G>A. VCF-style: chr19-40612077-G-A. GRCh37 (hg19) VCF-style: chr19-41117983-G-A.
Other names: c.2385G>A, p.Val795= (NM_001042544.1); c.2274G>A, p.Val758= (NM_003573.2).
Identifiers: ClinVar variation 513123 (VCV000513123.5), dbSNP rs540264614, ClinGen allele CA9448582.